The following is an entry in ClinVar:

ClinVar aggregate classification (germline): Uncertain significance (1 of 4 stars; one submission).

gnomAD v4.1: 41 of 1,613,496 alleles (0.0025%); highest among the groups gnomAD compares: Non-Finnish European, 0.0031%; no homozygotes.

Submission:

Labcorp Genetics (formerly Invitae), Labcorp
Classification: Uncertain significance. Last evaluated: 2024-09-27. Review status: criteria provided, single submitter. Criteria: Invitae Variant Classification Sherloc (09022015). Collection method: clinical testing. Allele origin: germline.
Comment: This sequence change replaces leucine, which is neutral and non-polar, with phenylalanine, which is neutral and non-polar, at codon 358 of the C2CD3 protein (p.Leu358Phe). This variant is present in population databases (rs376054974, gnomAD 0.002%). This variant has not been reported in the literature in individuals affected with C2CD3-related conditions. Invitae Evidence Modeling of protein sequence and biophysical properties (such as structural, functional, and spatial information, amino acid conservation, physicochemical variation, residue mobility, and thermodynamic stability) indicates that this missense variant is not expected to disrupt C2CD3 protein function with a negative predictive value of 80%. In summary, the available evidence is currently insufficient to determine the role of this variant in disease. Therefore, it has been classified as a Variant of Uncertain Significance.

NM_001286577.2(C2CD3):c.1072C>T (p.Leu358Phe)

Gene: C2CD3 (C2 domain containing 3 centriole elongation regulator; minus strand). Cytogenetic location: 11q13.4.
Variant type: single nucleotide variant.
Coding change: c.1072C>T on transcript NM_001286577.2 (MANE Select); coding-DNA position 1072, C replaced by T.
Protein change: p.Leu358Phe; replaces leucine 358 with phenylalanine.
Molecular consequence: missense variant.
Genome position (GRCh38, 1-based): chr11:74,133,441, G>A on the plus strand (C>T on the coding strand, the complement: C2CD3 is on the minus strand). VCF-style: chr11-74133441-G-A. GRCh37 (hg19) VCF-style: chr11-73844486-G-A.
Other names: c.1072C>T, p.Leu358Phe (NM_015531.6); short protein forms L358F.
Identifiers: ClinVar variation 3697405 (VCV003697405.2).